The following is an entry in ClinVar:

ClinVar aggregate classification (germline): Uncertain significance (1 of 4 stars; one submission).

Allele frequency attached by ClinVar (database versions not stated): gnomAD 0.00001.
gnomAD v4.1: 2 of 1,613,688 alleles (0.00012%); highest among the groups gnomAD compares: African/African-American, 0.0027%; no homozygotes.

Submission:

Labcorp Genetics (formerly Invitae), Labcorp
Classification: Uncertain significance. Last evaluated: 2021-12-13. Review status: criteria provided, single submitter. Criteria: Invitae Variant Classification Sherloc (09022015). Collection method: clinical testing. Allele origin: germline.
Comment: This sequence change replaces glycine, which is neutral and non-polar, with serine, which is neutral and polar, at codon 997 of the SLC24A1 protein (p.Gly997Ser). In summary, the available evidence is currently insufficient to determine the role of this variant in disease. Therefore, it has been classified as a Variant of Uncertain Significance. Algorithms developed to predict the effect of sequence changes on RNA splicing suggest that this variant may create or strengthen a splice site. Algorithms developed to predict the effect of missense changes on protein structure and function (SIFT, PolyPhen-2, Align-GVGD) all suggest that this variant is likely to be disruptive. ClinVar contains an entry for this variant (Variation ID: 953170). This variant has not been reported in the literature in individuals affected with SLC24A1-related conditions. This variant is not present in population databases (gnomAD no frequency).

NM_004727.3(SLC24A1):c.2989G>A (p.Gly997Ser)

Gene: SLC24A1 (solute carrier family 24 member 1; plus strand). Cytogenetic location: 15q22.31.
Variant type: single nucleotide variant.
Coding change: c.2989G>A on transcript NM_004727.3 (MANE Select); coding-DNA position 2989, G replaced by A.
Protein change: p.Gly997Ser; replaces glycine 997 with serine.
Molecular consequence: missense variant.
Genome position (GRCh38, 1-based): chr15:65,652,747, G>A. VCF-style: chr15-65652747-G-A. GRCh37 (hg19) VCF-style: chr15-65945085-G-A.
Other names: c.970G>A, p.Gly324Ser (NM_001254740.2); c.2899G>A, p.Gly967Ser (NM_001301031.1); c.2935G>A, p.Gly979Ser (NM_001301032.1, NM_001301033.2); short protein forms G967S, G979S, G324S, G997S.
Identifiers: ClinVar variation 953170 (VCV000953170.7), dbSNP rs2075548753, ClinGen allele CA392902252.